The following is an entry in ClinVar:

ClinVar aggregate classification (germline): Uncertain significance (1 of 4 stars; one submission).

Conditions:
Spinocerebellar ataxia type 38. Identifiers: Orphanet 423296, MedGen C4518337, MONDO:0014417, OMIM 615957.

Submission:

Institute of Human Genetics, University of Leipzig Medical Center
Classification: Uncertain significance for Spinocerebellar ataxia type 38. Last evaluated: 2025-03-04. Review status: criteria provided, single submitter. Criteria: ACMG Guidelines, 2015. Collection method: clinical testing. Allele origin: unknown. Affected: yes.
Comment: Criteria applied: PM2

NM_021814.5(ELOVL5):c.140G>A (p.Trp47Ter)

Gene: ELOVL5 (ELOVL fatty acid elongase 5; minus strand). Cytogenetic location: 6p12.1.
Variant type: single nucleotide variant.
Coding change: c.140G>A on transcript NM_021814.5 (MANE Select); coding-DNA position 140, G replaced by A.
Protein change: p.Trp47Ter; replaces tryptophan 47 with a stop codon.
Molecular consequence: nonsense.
Genome position (GRCh38, 1-based): chr6:53,291,882, C>T on the plus strand (G>A on the coding strand, the complement: ELOVL5 is on the minus strand). VCF-style: chr6-53291882-C-T. GRCh37 (hg19) VCF-style: chr6-53156680-C-T.
Other names: c.140G>A, p.Trp47Ter (NM_001242828.2, NM_001242830.2, NM_001301856.2); short protein forms W47*.
Identifiers: ClinVar variation 3773712 (VCV003773712.2).
Genomic context (GRCh38, chr6:53,291,882, plus strand): 5'-ACCACTAAAATCCCCCGGCAAGAGAATGGCTGTTTATTCCTCATGTATTTTGGTCCCAGC[C>T]ATACAATTAGTAAATATATGACAGAGCAGATAAATGTGGGTATATAATTGTCCAGAAGAA-3'